The following is an entry in ClinVar:

NM_017617.5(NOTCH1):c.6180+3G>T

Genes: NOTCH1 (notch receptor 1; minus strand), LOC126860794 (BRD4-independent group 4 enhancer GRCh37_chr9:139392592-139393791; plus strand). Cytogenetic location: 9q34.3.
Variant type: single nucleotide variant.
Coding change: c.6180+3G>T on transcript NM_017617.5 (MANE Select); 3 bases into the intron after coding-DNA position 6180, G replaced by T.
Molecular consequence: intron variant.
Genome position (GRCh38, 1-based): chr9:136,498,896, C>A on the plus strand (G>T on the coding strand, the complement: NOTCH1 is on the minus strand). VCF-style: chr9-136498896-C-A. GRCh37 (hg19) VCF-style: chr9-139393348-C-A.
Identifiers: ClinVar variation 2017088 (VCV002017088.4), dbSNP rs371301632, ClinGen allele CA2580080999.

ClinVar aggregate classification (germline): Uncertain significance (1 of 4 stars; one submission).

Conditions:
Adams-Oliver syndrome 5 (AOS5). Identifiers: Orphanet 974, MedGen C4014970, MONDO:0014459, OMIM 616028.

Submission:

Labcorp Genetics (formerly Invitae), Labcorp
Classification: Uncertain significance for Adams-Oliver syndrome 5. Last evaluated: 2022-07-24. Review status: criteria provided, single submitter. Criteria: Invitae Variant Classification Sherloc (09022015). Collection method: clinical testing. Allele origin: germline.
Comment: This sequence change falls in intron 33 of the NOTCH1 gene. It does not directly change the encoded amino acid sequence of the NOTCH1 protein. It affects a nucleotide within the consensus splice site. This variant is not present in population databases (gnomAD no frequency). This variant has not been reported in the literature in individuals affected with NOTCH1-related conditions. Variants that disrupt the consensus splice site are a relatively common cause of aberrant splicing (PMID: 17576681, 9536098). Algorithms developed to predict the effect of sequence changes on RNA splicing suggest that this variant is not likely to affect RNA splicing. In summary, the available evidence is currently insufficient to determine the role of this variant in disease. Therefore, it has been classified as a Variant of Uncertain Significance.

Literature cited by the submitters: PubMed 17576681; PubMed 9536098.